The following is an entry in ClinVar:

NM_007194.4(CHEK2):c.448del (p.Val150fs)

Gene: CHEK2 (checkpoint kinase 2; minus strand). Cytogenetic location: 22q12.1.
Variant type: Deletion.
Coding change: c.448del on transcript NM_007194.4 (MANE Select); coding-DNA position 448, one base deleted (G; older notation c.448delG).
Protein change: p.Val150fs; shifts the reading frame from valine 150.
Molecular consequence: frameshift variant. On other transcripts: 5 prime UTR variant (2), intron variant (1).
Genome position (GRCh38, 1-based): chr22:28,725,121, C deleted on the plus strand (G on the coding strand, the reverse complement: CHEK2 is on the minus strand). VCF-style (leftmost placement, unchanged base first): chr22-28725120-AC-A. GRCh37 (hg19) VCF-style: chr22-29121108-AC-A.
Other names: c.577del, p.Val193fs (NM_001005735.3, NM_001438294.1); c.-330del (NM_001257387.3); c.-216del (NM_001437942.1); c.541del, p.Val181fs (NM_001438293.1, NM_001438295.1); c.448del, p.Val150fs (NM_145862.3); c.444+122del (NM_001349956.3); short protein forms V150fs, V193fs, V181fs.
Identifiers: ClinVar variation 530207 (VCV000530207.7), dbSNP rs1555927038, ClinGen allele CA658799525.
Genomic context (GRCh38, chr22:28,725,120, plus strand): 5'-ACAAAGGTTCCATTGCCACTGTGATCTTCTATGTATGCAATGTAAGAGTTTTTAGGACCC[AC>A]TTCCTAAAATAGAGAACATTTTGTTTCAGACTTTGAATAGCAGAGATTTATAGTGGGAAA-3'

ClinVar aggregate classification (germline): Pathogenic (1 of 4 stars; one submission).

Conditions:
Familial cancer of breast. Also called: BREAST CANCER, FAMILIAL; Hereditary breast cancer; hereditary breast carcinoma. Identifiers: Orphanet 227535, MedGen C0346153, MONDO:0016419, OMIM 114480. Disease mechanism: loss of function.

Submission:

Labcorp Genetics (formerly Invitae), Labcorp
Classification: Pathogenic for Familial cancer of breast. Last evaluated: 2017-11-15. Review status: criteria provided, single submitter. Criteria: Invitae Variant Classification Sherloc (09022015). Collection method: clinical testing. Allele origin: germline.
Comment: For these reasons, this variant has been classified as Pathogenic. Loss-of-function variants in CHEK2 are known to be pathogenic (PMID: 21876083, 24713400). This variant has not been reported in the literature in individuals with CHEK2-related disease. This variant is not present in population databases (ExAC no frequency). This sequence change creates a premature translational stop signal (p.Val150Trpfs*11) in the CHEK2 gene. It is expected to result in an absent or disrupted protein product.

Literature cited by the submitters: PubMed 21876083; PubMed 24713400.